The following is an entry in ClinVar:

ClinVar aggregate classification (germline): Likely pathogenic (1 of 4 stars; one submission).

Conditions:
Anterior segment dysgenesis 3 (ASGD3). Also called: Glaucoma iridogoniodysplasia, familial; IRIDOGONIODYSGENESIS ANOMALY, AUTOSOMAL DOMINANT. Identifiers: Orphanet 91483, MedGen C5975707, MONDO:0024456, OMIM 601631.

Submission:

3billion
Classification: Likely pathogenic for Anterior segment dysgenesis 3. Last evaluated: 2024-03-11. Review status: criteria provided, single submitter. Criteria: ACMG Guidelines, 2015. Collection method: clinical testing. Allele origin: germline. Affected: yes.
Comment: The variant is not observed in the gnomAD v2.1.1 dataset. Predicted Consequence/Location: Missense variant In silico tool predictions suggest damaging effect of the variant on gene or gene product [REVEL: 0.94 (>=0.6, sensitivity 0.68 and specificity 0.92); 3Cnet: 0.91 (>=0.6, sensitivity 0.72 and precision 0.9)]. Same nucleotide change resulting in same amino acid change has been previously reported to be associated with FOXC1 related disorder (PMID: 27463523).The variant has been reported to co-segregate with the disease in at least 3 similarly affected relatives/individuals in the same family or similarly affected unrelated families (PMID: 27463523). Different missense changes at the same codon (p.Trp152Cys, p.Trp152Gly) have been reported as pathogenic/likely pathogenic with strong evidence (ClinVar ID: VCV000931490, VCV002136126 /PMID: 19279310). Therefore, this variant is classified as Likely pathogenic according to the recommendation of ACMG/AMP guideline.

Literature cited by the submitters: PubMed 27463523; PubMed 19279310.

NM_001453.3(FOXC1):c.454T>C (p.Trp152Arg)

Gene: FOXC1 (forkhead box C1; plus strand). Cytogenetic location: 6p25.3.
Variant type: single nucleotide variant.
Coding change: c.454T>C on transcript NM_001453.3 (MANE Select); coding-DNA position 454, T replaced by C.
Protein change: p.Trp152Arg; replaces tryptophan 152 with arginine.
Molecular consequence: missense variant.
Genome position (GRCh38, 1-based): chr6:1,610,899, T>C. VCF-style: chr6-1610899-T-C. GRCh37 (hg19) VCF-style: chr6-1611134-T-C.
Other names: short protein forms W152R.
Identifiers: ClinVar variation 1333607 (VCV001333607.3), dbSNP rs2113111766, ClinGen allele CA362558857.
Genomic context (GRCh38, chr6:1,610,899, plus strand): 5'-CTCAACGAGTGCTTCGTCAAGGTGCCGCGCGACGACAAGAAGCCGGGCAAGGGCAGCTAC[T>C]GGACGCTGGACCCGGACTCCTACAACATGTTCGAGAACGGCAGCTTCCTGCGGCGGCGGC-3'
Protein context (NP_001444.2, residues 142-162): DDKKPGKGSY[Trp152Arg]TLDPDSYNMF